The following is an entry in ClinVar:

NM_006295.3(VARS1):c.3307G>T (p.Glu1103Ter)

Gene: VARS1 (valyl-tRNA synthetase 1; minus strand). Cytogenetic location: 6p21.33.
Variant type: single nucleotide variant.
Coding change: c.3307G>T on transcript NM_006295.3 (MANE Select); coding-DNA position 3307, G replaced by T.
Protein change: p.Glu1103Ter; replaces glutamic acid 1103 with a stop codon.
Molecular consequence: nonsense.
Genome position (GRCh38, 1-based): chr6:31,779,518, C>A on the plus strand (G>T on the coding strand, the complement: VARS1 is on the minus strand). VCF-style: chr6-31779518-C-A. GRCh37 (hg19) VCF-style: chr6-31747295-C-A.
Other names: short protein forms E1103*.
Identifiers: ClinVar variation 4813069 (VCV004813069.1).

ClinVar aggregate classification (germline): Likely pathogenic (1 of 4 stars; one submission).

Conditions:
Neurodevelopmental disorder with microcephaly, seizures, and cortical atrophy. Identifiers: MedGen C4540493, MONDO:0060621, OMIM 617802.

Submission:

Variantyx, Inc.
Classification: Likely pathogenic for Neurodevelopmental disorder with microcephaly, seizures, and cortical atrophy. Last evaluated: 2026-01-22. Review status: criteria provided, single submitter. Criteria: Variantyx Assertion Criteria 2022. Collection method: clinical testing. Allele origin: germline. Inheritance: Autosomal recessive inheritance.
Comment: This is a nonsense variant in the VARS1 gene (OMIM: 192150). Pathogenic variants in this gene have been associated with autosomal recessive neurodevelopmental disorder with microcephaly, seizures, and cortical atrophy. This variant introduces a premature termination codon in exon 15 out of 30. It is expected to result in loss of function, which is a known disease mechanism for VARS1 in this disorder (PMID: 29691655, 30755616) (PVS1). This variant is absent from control populations (PM2). This variant has not been reported in affected individuals in the databases available for review. Based on the current evidence, this variant is classified as likely pathogenic for autosomal recessive neurodevelopmental disorder with microcephaly, seizures, and cortical atrophy.

Literature cited by the submitters: PubMed 29691655; PubMed 30755616.